The following is an entry in ClinVar:

ClinVar aggregate classification (germline): Likely benign (1 of 4 stars; one submission).

Submission:

CeGaT Center for Human Genetics Tuebingen
Classification: Likely benign. Last evaluated: 2026-09-01. Review status: criteria provided, single submitter. Criteria: CeGaT Center For Human Genetics Tuebingen Variant Classification Criteria Version 2. Collection method: clinical testing. Allele origin: germline. Affected: yes. Observed: 4 variant alleles.
Comment: ACTG1: BS1

NC_000017.11:g.81508819G>A

Gene: ACTG1 (actin gamma 1; minus strand). Cytogenetic location: 17q25.3.
Variant type: single nucleotide variant.
Genome position: GRCh38 VCF-style: chr17-81508819-G-A. GRCh37 (hg19) VCF-style: chr17-79475845-G-A.
Identifiers: ClinVar variation 3389421 (VCV003389421.14).